The following is an entry in ClinVar:

NC_000010.10:g.(?_90988092)_(90997504_?)del

Gene: LIPA (lipase A, lysosomal acid type; minus strand). Cytogenetic location: 10q23.31.
Variant type: Deletion.
Identifiers: ClinVar variation 3244815 (VCV003244815.1).

ClinVar aggregate classification (germline): Likely pathogenic (1 of 4 stars; one submission).

Conditions:
Wolman disease (WOLD). Also called: LYSOSOMAL ACID LIPASE DEFICIENCY, ACUTE INFANTILE; LYSOSOMAL ACID LIPASE DEFICIENCY, COMPLETE; LIPA DEFICIENCY, COMPLETE; LAL DEFICIENCY, COMPLETE; CHOLESTEROL ESTER HYDROLASE DEFICIENCY, COMPLETE; Acid cholesteryl ester hydrolase deficiency, Wolman type. Identifiers: Orphanet 75233, MedGen C0043208, MONDO:0019148, OMIM 620151.

Submission:

Labcorp Genetics (formerly Invitae), Labcorp
Classification: Likely pathogenic for Wolman disease. Last evaluated: 2023-08-15. Review status: criteria provided, single submitter. Criteria: Invitae Variant Classification Sherloc (09022015). Collection method: clinical testing. Allele origin: unknown.
Comment: This variant results in the deletion of part of exon 4 (c.229+7929_293del) of the LIPA gene. It is expected to disrupt RNA splicing. Variants that disrupt the donor or acceptor splice site typically lead to a loss of protein function (PMID: 16199547), and loss-of-function variants in LIPA are known to be pathogenic (PMID: 23485521). This variant has not been reported in the literature in individuals affected with LIPA-related conditions. In summary, the currently available evidence indicates that the variant is pathogenic, but additional data are needed to prove that conclusively. Therefore, this variant has been classified as Likely Pathogenic.

Literature cited by the submitters: PubMed 16199547; PubMed 23485521.